The following is an entry in ClinVar:

NM_001905.4(CTPS1):c.1379A>G (p.Lys460Arg)

Genes: CTPS1 (CTP synthase 1; plus strand), LOC126805717 (MED14-independent group 3 enhancer GRCh37_chr1:41472557-41473756; plus strand). Cytogenetic location: 1p34.2.
Variant type: single nucleotide variant.
Coding change: c.1379A>G on transcript NM_001905.4 (MANE Select); coding-DNA position 1379, A replaced by G.
Protein change: p.Lys460Arg; replaces lysine 460 with arginine.
Molecular consequence: missense variant. On other transcripts: non-coding transcript variant (1).
Genome position (GRCh38, 1-based): chr1:41,007,531, A>G. VCF-style: chr1-41007531-A-G. GRCh37 (hg19) VCF-style: chr1-41473203-A-G.
Other names: c.911A>G, p.Lys304Arg (NM_001301237.2); short protein forms K304R, K460R.
Identifiers: ClinVar variation 849944 (VCV000849944.10), dbSNP rs568672601, ClinGen allele CA795516.

ClinVar aggregate classification (germline): Uncertain significance. Review status: criteria provided, multiple submitters, no conflicts (2 of 4 stars). 3 submissions from 3 submitters: Uncertain significance (3). Last evaluated 2025-05-25.

Conditions:
Combined immunodeficiency due to CTPS1 deficiency. Also called: Immunodeficiency 24; Severe combined immunodeficiency due to CTPS1 deficiency. Identifiers: Orphanet 420573, MedGen C4014617, MONDO:0014391, OMIM 615897.

Allele frequency attached by ClinVar (database versions not stated): gnomAD 0.00002 and 0.00004; ExAC 0.00003; TOPMed 0.00004; gnomAD exomes 0.00006; 1000 Genomes Project 30x 0.00031; 1000 Genomes Project 0.00040.
gnomAD v4.1: 52 of 1,614,130 alleles (0.0032%); highest among the groups gnomAD compares: East Asian, 0.1%; 1 homozygote.

Submissions (3):

Labcorp Genetics (formerly Invitae), Labcorp
Classification: Uncertain significance for Combined immunodeficiency due to CTPS1 deficiency. Last evaluated: 2025-05-25. Review status: criteria provided, single submitter. Criteria: Invitae Variant Classification Sherloc (09022015). Collection method: clinical testing. Allele origin: germline.
Comment: This sequence change replaces lysine, which is basic and polar, with arginine, which is basic and polar, at codon 460 of the CTPS1 protein (p.Lys460Arg). This variant is present in population databases (rs568672601, gnomAD 0.07%). This missense change has been observed in individual(s) with hemophagocytic lymphohistiocytosis (PMID: 30899265). ClinVar contains an entry for this variant (Variation ID: 849944). An algorithm developed to predict the effect of missense changes on protein structure and function (PolyPhen-2) suggests that this variant is likely to be tolerated. In summary, the available evidence is currently insufficient to determine the role of this variant in disease. Therefore, it has been classified as a Variant of Uncertain Significance.

Blueprint Genetics
Classification: Uncertain significance. Last evaluated: 2024-01-22. Review status: criteria provided, single submitter. Criteria: ACMG Guidelines, 2015. Collection method: clinical testing. Allele origin: germline.

Fulgent Genetics
Classification: Uncertain significance for Combined immunodeficiency due to CTPS1 deficiency. Last evaluated: 2022-02-03. Review status: criteria provided, single submitter. Criteria: ACMG Guidelines, 2015. Collection method: clinical testing. Allele origin: unknown.

Literature cited by the submitters: PubMed 30899265 (cited by Labcorp Genetics (formerly Invitae), Labcorp).